The following is an entry in ClinVar:

NM_002439.5(MSH3):c.2366A>G (p.Tyr789Cys)

Gene: MSH3 (mutS homolog 3; plus strand). Cytogenetic location: 5q14.1.
Variant type: single nucleotide variant.
Coding change: c.2366A>G on transcript NM_002439.5 (MANE Select); coding-DNA position 2366, A replaced by G.
Protein change: p.Tyr789Cys; replaces tyrosine 789 with cysteine.
Molecular consequence: missense variant.
Genome position (GRCh38, 1-based): chr5:80,778,767, A>G. VCF-style: chr5-80778767-A-G. GRCh37 (hg19) VCF-style: chr5-80074586-A-G.
Other names: short protein forms Y789C.
Identifiers: ClinVar variation 639257 (VCV000639257.14), dbSNP rs10067975, ClinGen allele CA3328233.

ClinVar aggregate classification (germline): Uncertain significance. Review status: criteria provided, multiple submitters, no conflicts (2 of 4 stars). 5 submissions from 5 submitters: Uncertain significance (5). Last evaluated 2026-01-13.

Conditions:
Hereditary cancer-predisposing syndrome. Also called: Hereditary neoplastic syndrome; Hereditary Cancer Syndrome; Tumor predisposition; Neoplastic Syndromes, Hereditary. Identifiers: Orphanet 140162, MedGen C0027672, MeSH D009386, MONDO:0015356.

Allele frequency attached by ClinVar (database versions not stated): gnomAD exomes below 0.00001 and 0.00001; ExAC 0.00001; gnomAD 0.00002; TOPMed 0.00003; ESP Exome Variant Server 0.00008.
gnomAD v4.1: 22 of 1,613,392 alleles (0.0014%); highest among the groups gnomAD compares: Non-Finnish European, 0.0018%; no homozygotes.

Submissions (5):

Labcorp Genetics (formerly Invitae), Labcorp
Classification: Uncertain significance. Last evaluated: 2026-01-13. Review status: criteria provided, single submitter. Criteria: Invitae Variant Classification Sherloc (09022015). Collection method: clinical testing. Allele origin: germline.
Comment: This sequence change replaces tyrosine, which is neutral and polar, with cysteine, which is neutral and slightly polar, at codon 789 of the MSH3 protein (p.Tyr789Cys). This variant is present in population databases (rs10067975, gnomAD 0.003%). This variant has not been reported in the literature in individuals affected with MSH3-related conditions. ClinVar contains an entry for this variant (Variation ID: 639257). An algorithm developed to predict the effect of missense changes on protein structure and function (PolyPhen-2) suggests that this variant is likely to be tolerated. In summary, the available evidence is currently insufficient to determine the role of this variant in disease. Therefore, it has been classified as a Variant of Uncertain Significance.

Quest Diagnostics Nichols Institute San Juan Capistrano
Classification: Uncertain significance. Last evaluated: 2025-10-09. Review status: criteria provided, single submitter. Criteria: Quest Diagnostics criteria. Collection method: clinical testing. Allele origin: unknown.
Comment: The MSH3 c.2366A>G (p.Tyr789Cys) variant has not been reported in the germline of individuals with MSH3-related conditions in the published literature. The frequency of this variant in the general population (Genome Aggregation Database) is uninformative in the assessment of its pathogenicity. Analysis of this variant using bioinformatics tools for the prediction of the effect of amino acid changes on protein structure and function yielded predictions that this variant is damaging. Based on the available information, we are unable to determine the clinical significance of this variant.

Blueprint Genetics
Classification: Uncertain significance. Last evaluated: 2024-11-19. Review status: criteria provided, single submitter. Criteria: ACMG Guidelines, 2015. Collection method: clinical testing. Allele origin: germline.

Ambry Genetics
Classification: Uncertain significance for Hereditary cancer-predisposing syndrome. Last evaluated: 2024-05-29. Review status: criteria provided, single submitter. Criteria: Ambry Variant Classification Scheme 2023. Collection method: clinical testing. Allele origin: germline.
Comment: The p.Y789C variant (also known as c.2366A>G), located in coding exon 17 of the MSH3 gene, results from an A to G substitution at nucleotide position 2366. The tyrosine at codon 789 is replaced by cysteine, an amino acid with highly dissimilar properties. This amino acid position is well conserved in available vertebrate species. In addition, this alteration is predicted to be deleterious by in silico analysis. Since supporting evidence is limited at this time, the clinical significance of this alteration remains unclear.

Sema4
Classification: Uncertain significance for Hereditary cancer-predisposing syndrome. Last evaluated: 2021-06-28. Review status: criteria provided, single submitter. Criteria: Sema4 Curation Guidelines. Collection method: curation. Allele origin: germline.
Comment: The MSH3 c.2366A>G (p.Y789C) variant has not been reported in the literature to our knowledge. It was observed in 1/34584 chromosomes of the Latino subpopulation in the large and broad cohorts of the Genome Aggregation Database. The variant has been reported in ClinVar (Variation ID 639257). In silico tools suggest the impact of the variant on protein function is deleterious, though these predictions have not been confirmed by functional studies. The evidence is insufficient to meet ACMG/AMP criteria for classifying the variant as benign or pathogenic. Thus, the clinical significance of this variant is currently uncertain.

Literature cited by the submitters: PubMed 32461694 (cited by Quest Diagnostics Nichols Institute San Juan Capistrano).